The following is an entry in ClinVar:

ClinVar aggregate classification (germline): Uncertain significance (1 of 4 stars; one submission).

Conditions:
Intellectual developmental disorder, X-linked, syndromic, Shashi type. Also called: SHASHI X-LINKED MENTAL RETARDATION SYNDROME; INTELLECTUAL DEVELOPMENTAL DISORDER, X-LINKED, SYNDROMIC 11; Syndromic X-linked intellectual disability Shashi type. Identifiers: Orphanet 85286, MedGen C1846145, MONDO:0010277, OMIM 300238.

Submission:

Pittsburgh Clinical Genomics Laboratory, University of Pittsburgh Medical Center
Classification: Uncertain significance for Intellectual developmental disorder, X-linked, syndromic, Shashi type. Last evaluated: 2022-01-04. Review status: criteria provided, single submitter. Criteria: ACMG Guidelines, 2015. Collection method: clinical testing. Allele origin: germline. Inheritance: X-linked recessive inheritance. Affected: yes.
Comment: This sequence variant is a single nucleotide substitution (G>A) that results in an arginine to lysine amino acid change at residue 344 of the RBMX protein. This amino acid falls within a tyrosine rich region which forms a domain necessary for R binding (PMID: 22832223). This is a novel variant that has not been reported to databases of clinically relevant variants and has not been observed in the medical literature, to our knowledge. Additiolly, this variant has not been observed in control population datasets (gnomAD database 0 of ~183,000 alleles). Bioinformatic tools predict that this variant would be damaging, and the Arg344 residue is highly conserved across the vertebrate species examined. Functiol studies examining the effect of this variant on protein structure or activity have not been performed, to our knowledge. At this time, there is insufficient evidence to determine if this variant is pathogenic or benign. Therefore, we consider this to be a variant of uncertain significance. ACMG Criteria: PM2, PP3

Literature cited by the submitters: PubMed 22832223.

NM_002139.4(RBMX):c.1031G>A (p.Arg344Lys)

Genes: RBMX (RNA binding motif protein X-linked; minus strand), LOC126863330 (MED14-independent group 3 enhancer GRCh37_chrX:135956167-135957366; plus strand). Cytogenetic location: Xq26.3.
Variant type: single nucleotide variant.
Coding change: c.1031G>A on transcript NM_002139.4 (MANE Select); coding-DNA position 1031, G replaced by A.
Protein change: p.Arg344Lys; replaces arginine 344 with lysine.
Molecular consequence: missense variant. On other transcripts: non-coding transcript variant (2), intron variant (1).
Genome position (GRCh38, 1-based): chrX:136,874,287, C>T on the plus strand (G>A on the coding strand, the complement: RBMX is on the minus strand). VCF-style: chrX-136874287-C-T. GRCh37 (hg19) VCF-style: chrX-135956446-C-T.
Other names: c.540+799G>A (NM_001164803.2); short protein forms R344K.
Identifiers: ClinVar variation 3376257 (VCV003376257.1).